The following is an entry in ClinVar:

NM_000350.3(ABCA4):c.201G>A (p.Leu67=)

Gene: ABCA4 (ATP binding cassette subfamily A member 4; minus strand). Cytogenetic location: 1p22.1.
Variant type: single nucleotide variant.
Coding change: c.201G>A on transcript NM_000350.3 (MANE Select); coding-DNA position 201, G replaced by A.
Protein change: p.Leu67=; no amino-acid change (leucine 67 retained).
Molecular consequence: synonymous variant.
Genome position (GRCh38, 1-based): chr1:94,111,539, C>T on the plus strand (G>A on the coding strand, the complement: ABCA4 is on the minus strand). VCF-style: chr1-94111539-C-T. GRCh37 (hg19) VCF-style: chr1-94577095-C-T.
Other names: c.201G>A, p.Leu67= (NM_001425324.1); c.201G>A (NM_000350.2).
Identifiers: ClinVar variation 1124168 (VCV001124168.10), dbSNP rs764200212, ClinGen allele CA958895.

ClinVar aggregate classification (germline): Likely benign. Review status: criteria provided, multiple submitters, no conflicts (2 of 4 stars). 2 submissions from 2 submitters: Likely benign (2). Last evaluated 2026-06-15.

Conditions:
ABCA4-related disorder. Also called: ABCA4-related disorders; ABCA4-related condition. Identifiers: MedGen CN239167.

Allele frequency attached by ClinVar (database versions not stated): TOPMed 0.00002; gnomAD 0.00003 and 0.00004.
gnomAD v4.1: 9 of 1,614,106 alleles (0.00056%); highest among the groups gnomAD compares: African/African-American, 0.0027%; no homozygotes.

Submissions (2):

PreventionGenetics, part of Exact Sciences
Classification: Likely benign for ABCA4-related condition. Last evaluated: 2026-06-15. Review status: criteria provided, single submitter. Criteria: ACMG Guidelines, 2015. Collection method: clinical testing. Allele origin: germline.
Comment: This variant is classified as likely benign based on ACMG/AMP sequence variant interpretation guidelines (Richards et al. 2015 PMID: 25741868, with internal and published modifications).

Labcorp Genetics (formerly Invitae), Labcorp
Classification: Likely benign. Last evaluated: 2025-01-23. Review status: criteria provided, single submitter. Criteria: Invitae Variant Classification Sherloc (09022015). Collection method: clinical testing. Allele origin: germline.